The following is an entry in ClinVar:

NM_001081.4(CUBN):c.10764+1G>A

Gene: CUBN (cubilin; minus strand). Cytogenetic location: 10p13.
Variant type: single nucleotide variant.
Coding change: c.10764+1G>A on transcript NM_001081.4 (MANE Select); the canonical splice donor site of the intron after coding-DNA position 10764, G replaced by A.
Molecular consequence: splice donor variant.
Genome position (GRCh38, 1-based): chr10:16,828,804, C>T on the plus strand (G>A on the coding strand, the complement: CUBN is on the minus strand). VCF-style: chr10-16828804-C-T. GRCh37 (hg19) VCF-style: chr10-16870803-C-T.
Identifiers: ClinVar variation 632130 (VCV000632130.9), dbSNP rs374982220, ClinGen allele CA5422305.

ClinVar aggregate classification (germline): Uncertain significance. Review status: criteria provided, multiple submitters, no conflicts (2 of 4 stars). 2 submissions from 2 submitters: Uncertain significance (2). Last evaluated 2025-05-22.

Conditions:
Imerslund-Grasbeck syndrome. Also called: PERNICIOUS ANEMIA, JUVENILE, DUE TO SELECTIVE INTESTINAL MALABSORPTION OF VITAMIN B12, WITH PROTEINURIA; ENTEROCYTE COBALAMIN MALABSORPTION; ENTEROCYTE INTRINSIC FACTOR RECEPTOR, DEFECT OF; Imerslund-Gräsbeck syndrome; Megaloblastic anemia due to inborn errors of metabolism. Identifiers: Orphanet 35858, MedGen C4551825, MONDO:0009853.

Allele frequency attached by ClinVar (database versions not stated): gnomAD 0.00003; gnomAD exomes 0.00003 and 0.00006; TOPMed 0.00003; ExAC 0.00004; ESP Exome Variant Server 0.00008.
gnomAD v4.1: 87 of 1,597,218 alleles (0.0054%); highest among the groups gnomAD compares: South Asian, 0.0077%; no homozygotes.

Submissions (2):

GeneDx
Classification: Uncertain significance. Last evaluated: 2025-05-22. Review status: criteria provided, single submitter. Criteria: GeneDx Variant Classification Process June 2021. Collection method: clinical testing. Allele origin: germline. Affected: yes.
Comment: Reported in a proband with persistent proteinuria (PMID: 38488435); Not observed at significant frequency in large population cohorts (gnomAD); RNA studies demonstrate a damaging effect resulting in a shift of the splicing site (PMID: 38488435); This variant is associated with the following publications: (PMID: 38488435)

Labcorp Genetics (formerly Invitae), Labcorp
Classification: Uncertain significance for Imerslund-Grasbeck syndrome. Last evaluated: 2025-01-23. Review status: criteria provided, single submitter. Criteria: Invitae Variant Classification Sherloc (09022015). Collection method: clinical testing. Allele origin: germline.
Comment: This sequence change affects a donor splice site in intron 66 of the CUBN gene. RNA analysis indicates that disruption of this splice site induces altered splicing and likely disrupts the C-terminus of the protein. This variant is present in population databases (rs374982220, gnomAD 0.006%). Disruption of this splice site has been observed in individual(s) with chronic proteinuria (PMID: 38488435). ClinVar contains an entry for this variant (Variation ID: 632130). Variants that disrupt the consensus splice site are a relatively common cause of aberrant splicing (PMID: 17576681, 9536098). Studies have shown that disruption of this splice site results in activation of a cryptic splice site and introduces a new termination codon (PMID: 38488435). However the mRNA is not expected to undergo nonsense-mediated decay. In summary, the available evidence is currently insufficient to determine the role of this variant in disease. Therefore, it has been classified as a Variant of Uncertain Significance.

Literature cited by the submitters: PubMed 38488435 (cited by Labcorp Genetics (formerly Invitae), Labcorp); PubMed 17576681 (cited by Labcorp Genetics (formerly Invitae), Labcorp); PubMed 9536098 (cited by Labcorp Genetics (formerly Invitae), Labcorp).